The following is an entry in ClinVar:

NM_006214.4(PHYH):c.426del (p.Lys141_Tyr142insTer)

Gene: PHYH (phytanoyl-CoA 2-hydroxylase; minus strand). Cytogenetic location: 10p13.
Variant type: Deletion.
Coding change: c.426del on transcript NM_006214.4 (MANE Select); coding-DNA position 426, one base deleted (T; older notation c.426delT).
Protein change: p.Lys141_Tyr142insTer.
Molecular consequence: nonsense. On other transcripts: intron variant (1).
Genome position (GRCh38, 1-based): chr10:13,291,901, A deleted on the plus strand (T on the coding strand, the reverse complement: PHYH is on the minus strand). VCF-style (leftmost placement, unchanged base first): chr10-13291900-CA-C. GRCh37 (hg19) VCF-style: chr10-13333900-CA-C.
Other names: c.126del, p.Lys41_Tyr42insTer (NM_001037537.2, NM_001323080.2, NM_001323084.2); c.426del, p.Lys141_Tyr142insTer (NM_001323082.2); c.414+2527del (NM_001323083.2).
Identifiers: ClinVar variation 2677764 (VCV002677764.5), dbSNP rs1564426201, ClinGen allele CA592077044.

ClinVar aggregate classification (germline): Pathogenic/Likely pathogenic. Review status: criteria provided, multiple submitters, no conflicts (2 of 4 stars). 2 submissions from 2 submitters: Pathogenic (1); Likely pathogenic (1). Last evaluated 2024-03-27.

Conditions:
Refsum disease, classic. Also called: PHYH-Related Refsum Disease; HEREDOPATHIA ATACTICA POLYNEURITIFORMIS; HMSN IV; PHYTANIC ACID OXIDASE DEFICIENCY. Identifiers: Orphanet 773, MedGen C5780941, MONDO:1060256, OMIM 266500. Disease mechanism: loss of function.

Allele frequency attached by ClinVar (database versions not stated): gnomAD exomes below 0.00001.

Submissions (2):

Baylor Genetics
Classification: Likely pathogenic for Refsum disease, classic. Last evaluated: 2024-03-27. Review status: criteria provided, single submitter. Criteria: ACMG Guidelines, 2015. Collection method: clinical testing. Allele origin: unknown.

Labcorp Genetics (formerly Invitae), Labcorp
Classification: Pathogenic. Last evaluated: 2024-02-27. Review status: criteria provided, single submitter. Criteria: Invitae Variant Classification Sherloc (09022015). Collection method: clinical testing. Allele origin: germline.
Comment: This sequence change creates a premature translational stop signal (p.Tyr142*) in the PHYH gene. It is expected to result in an absent or disrupted protein product. Loss-of-function variants in PHYH are known to be pathogenic (PMID: 9326940, 14974078). This variant is present in population databases (no rsID available, gnomAD 0.006%). This variant has not been reported in the literature in individuals affected with PHYH-related conditions. Algorithms developed to predict the effect of sequence changes on RNA splicing suggest that this variant may disrupt the consensus splice site. For these reasons, this variant has been classified as Pathogenic.

Literature cited by the submitters: PubMed 9326940 (cited by Labcorp Genetics (formerly Invitae), Labcorp); PubMed 14974078 (cited by Labcorp Genetics (formerly Invitae), Labcorp).